The following is an entry in ClinVar:

NM_032380.5(GFM2):c.1899C>T (p.Ser633=)

Gene: GFM2 (GTP dependent ribosome recycling factor mitochondrial 2; minus strand). Cytogenetic location: 5q13.3.
Variant type: single nucleotide variant.
Coding change: c.1899C>T on transcript NM_032380.5 (MANE Select); coding-DNA position 1899, C replaced by T.
Protein change: p.Ser633=; no amino-acid change (serine 633 retained).
Molecular consequence: synonymous variant. On other transcripts: non-coding transcript variant (1).
Genome position (GRCh38, 1-based): chr5:74,725,954, G>A on the plus strand (C>T on the coding strand, the complement: GFM2 is on the minus strand). VCF-style: chr5-74725954-G-A. GRCh37 (hg19) VCF-style: chr5-74021779-G-A.
Other names: c.1899C>T (NM_032380.4); c.1995C>T, p.Ser665= (NM_001281302.2); c.1758C>T, p.Ser586= (NM_170691.3).
Identifiers: ClinVar variation 1901567 (VCV001901567.7), dbSNP rs751813986, ClinGen allele CA3306416.
Genomic context (GRCh38, chr5:74,725,954, plus strand): 5'-AATGGTTGAGTGGGATACTAATGCTTACTCTCATTTGAGTGTCTTACCTTGGAGACATGC[G>A]CTGTGAATTCCATTTTCAATGGCCTCTTGGGAGACCTTCAAAAGGCCTTCATTGATACTT-3'
Protein context (NP_115756.2, residues 623-643): SQEAIENGIH[Ser633=]ACLQGPLLGS

ClinVar aggregate classification (germline): Likely benign. Review status: criteria provided, single submitter (1 of 4 stars). 2 submissions from 2 submitters: Likely benign (1). 1 of the submissions does not count toward it. Last evaluated 2024-10-16.

Conditions:
GFM2-related disorder. Also called: GFM2-related condition.

Allele frequency attached by ClinVar (database versions not stated): gnomAD 0.00001; gnomAD exomes 0.00001; TOPMed 0.00002; ExAC 0.00003.
gnomAD v4.1: 14 of 1,610,018 alleles (0.00087%); highest among the groups gnomAD compares: Admixed American, 0.017%; no homozygotes.

Submissions (2):

Labcorp Genetics (formerly Invitae), Labcorp
Classification: Likely benign. Last evaluated: 2024-10-16. Review status: criteria provided, single submitter. Criteria: Invitae Variant Classification Sherloc (09022015). Collection method: clinical testing. Allele origin: germline.

PreventionGenetics, part of Exact Sciences
Classification: Likely benign for GFM2-related condition. Last evaluated: 2020-03-04. Review status: no assertion criteria provided. Collection method: clinical testing. Allele origin: germline. Not counted in ClinVar's aggregate classification.
Comment: This variant is classified as likely benign based on ACMG/AMP sequence variant interpretation guidelines (Richards et al. 2015 PMID: 25741868, with internal and published modifications).